The following is an entry in ClinVar:

NM_000875.5(IGF1R):c.846C>T (p.Cys282=)

Gene: IGF1R (insulin like growth factor 1 receptor; plus strand). Cytogenetic location: 15q26.3.
Variant type: single nucleotide variant.
Coding change: c.846C>T on transcript NM_000875.5 (MANE Select); coding-DNA position 846, C replaced by T.
Protein change: p.Cys282=; no amino-acid change (cysteine 282 retained).
Molecular consequence: synonymous variant.
Genome position (GRCh38, 1-based): chr15:98,891,530, C>T. VCF-style: chr15-98891530-C-T. GRCh37 (hg19) VCF-style: chr15-99434759-C-T.
Other names: c.846C>T, p.Cys282= (NM_001291858.2).
Identifiers: ClinVar variation 712844 (VCV000712844.40), dbSNP rs35171849, ClinGen allele CA7751919.

ClinVar aggregate classification (germline): Benign/Likely benign. Review status: criteria provided, multiple submitters, no conflicts (2 of 4 stars). 6 submissions from 6 submitters: Benign (3); Likely benign (2). 1 of the submissions does not count toward it. Last evaluated 2026-07-01.

Conditions:
IGF1R-related disorder. Also called: IGF1R-related condition.
Growth delay due to insulin-like growth factor I resistance. Also called: Insulin-Like Growth Factor I Resistance; Somatomedin end-organ insensitivity to; Somatomedin-c resistance to; IGF-1 resistance; IGF-I RESISTANCE. Identifiers: Orphanet 73273, MedGen C1849157, MONDO:0010038, OMIM 270450.

Allele frequency attached by ClinVar (database versions not stated): gnomAD exomes 0.00029 and 0.00079; ExAC 0.00094; gnomAD 0.00296 and 0.00328; 1000 Genomes Project 0.00300; 1000 Genomes Project 30x 0.00344; TOPMed 0.00346; ESP Exome Variant Server 0.00377.
gnomAD v4.1: 900 of 1,613,038 alleles (0.056%); highest among the groups gnomAD compares: African/African-American, 1.1%; 6 homozygotes.

Submissions (6):

CeGaT Center for Human Genetics Tuebingen
Classification: Likely benign. Last evaluated: 2026-07-01. Review status: criteria provided, single submitter. Criteria: CeGaT Center For Human Genetics Tuebingen Variant Classification Criteria Version 2. Collection method: clinical testing. Allele origin: germline. Affected: yes. Observed: 2 variant alleles.
Comment: IGF1R: BP4, BP7, BS1

Labcorp Genetics (formerly Invitae), Labcorp
Classification: Benign. Last evaluated: 2026-01-26. Review status: criteria provided, single submitter. Criteria: Invitae Variant Classification Sherloc (09022015). Collection method: clinical testing. Allele origin: germline.

Blueprint Genetics
Classification: Likely benign. Last evaluated: 2024-07-01. Review status: criteria provided, single submitter. Criteria: ACMG Guidelines, 2015. Collection method: clinical testing. Allele origin: germline.

Illumina Laboratory Services, Illumina
Classification: Benign for Growth delay due to insulin-like growth factor I resistance. Last evaluated: 2017-04-28. Review status: criteria provided, single submitter. Criteria: ICSL Variant Classification Criteria 13 December 2019. Collection method: clinical testing. Allele origin: germline.
Comment: This variant was observed as part of a predisposition screen in an ostensibly healthy population. A literature search was performed for the gene, cDNA change, and amino acid change (where applicable). No publications were found based on this search. Allele frequency data from public databases was too high to be consistent with this variant causing disease. Therefore, this variant is classified as benign.

Breakthrough Genomics
Classification: Benign. Review status: criteria provided, single submitter. Criteria: ACMG Guidelines, 2015. Collection method: not provided. Allele origin: germline. Inheritance: Autosomal dominant inheritance. Affected: yes.

PreventionGenetics, part of Exact Sciences
Classification: Benign for IGF1R-related condition. Last evaluated: 2023-12-26. Review status: no assertion criteria provided. Collection method: clinical testing. Allele origin: germline. Not counted in ClinVar's aggregate classification.
Comment: This variant is classified as benign based on ACMG/AMP sequence variant interpretation guidelines (Richards et al. 2015 PMID: 25741868, with internal and published modifications).